The following is an entry in ClinVar:

ClinVar aggregate classification (germline): Pathogenic (1 of 4 stars; one submission).

Conditions:
Deficiency of UDPglucose-hexose-1-phosphate uridylyltransferase. Also called: GALACTOSE-1-PHOSPHATE URIDYLYLTRANSFERASE DEFICIENCY; GALACTOSEMIA I; GALT deficiency; Galactosemia, classic; Transferase Deficiency Galactosemia. Identifiers: Orphanet 352, Orphanet 79239, MedGen C0268151, MONDO:0009258, OMIM 230400.

Submission:

3billion
Classification: Pathogenic for Deficiency of UDPglucose-hexose-1-phosphate uridylyltransferase. Last evaluated: 2025-04-14. Review status: criteria provided, single submitter. Criteria: ACMG Guidelines, 2015. Collection method: clinical testing. Allele origin: germline. Affected: yes.
Comment: The variant is not observed in the gnomAD v4.1.0 dataset. Predicted Consequence/Location:Stop-gained (nonsense): predicted to result in a loss or disruption of normal protein function through nonsense-mediated decay (NMD) or protein truncation. Multiple pathogenic variants are reported downstream of the variant. The variant was homozygous. Therefore, this variant is classified as Pathogenic according to the recommendation of ACMG/AMP guideline.

NM_000155.4(GALT):c.186_187delinsTT (p.Lys63Ter)

Genes: GALT (galactose-1-phosphate uridylyltransferase; plus strand), LOC130001683 (ATAC-STARR-seq lymphoblastoid active region 28314; plus strand). Cytogenetic location: 9p13.3.
Variant type: Indel.
Coding change: c.186_187delinsTT on transcript NM_000155.4 (MANE Select); coding-DNA positions 186 to 187, GA replaced by TT.
Protein change: p.Lys63Ter; replaces lysine 63 with a stop codon.
Molecular consequence: nonsense. On other transcripts: 5 prime UTR variant (1).
Genome position (GRCh38, 1-based): chr9:34,647,192-34,647,193, GA replaced by TT. VCF-style: chr9-34647192-GA-TT. GRCh37 (hg19) VCF-style: chr9-34647189-GA-TT.
Other names: c.-17_-16delinsTT (NM_001258332.2); short protein forms K63*.
Identifiers: ClinVar variation 4293425 (VCV004293425.1).